The following is an entry in ClinVar:

ClinVar aggregate classification (germline): Conflicting classifications of pathogenicity. Review status: criteria provided, conflicting classifications (1 of 4 stars). 4 submissions from 4 submitters: Uncertain significance (2); Likely benign (2). Last evaluated 2026-02-01.

Conditions:
Global developmental delay with or without impaired intellectual development. Identifiers: MedGen C5193032, MONDO:0032680, OMIM 618330.
Inborn genetic diseases. Identifiers: MedGen C0950123, MeSH D030342.

Allele frequency attached by ClinVar (database versions not stated): gnomAD exomes 0.00001; gnomAD 0.00002; ExAC 0.00003; TOPMed 0.00005.
gnomAD v4.1: 47 of 1,614,006 alleles (0.0029%); highest among the groups gnomAD compares: East Asian, 0.016%; 1 homozygote.

Submissions (4):

CeGaT Center for Human Genetics Tuebingen
Classification: Likely benign. Last evaluated: 2026-02-01. Review status: criteria provided, single submitter. Criteria: CeGaT Center For Human Genetics Tuebingen Variant Classification Criteria Version 2. Collection method: clinical testing. Allele origin: germline. Affected: yes. Observed: 1 variant allele.
Comment: CUX1: BP4

Blueprint Genetics
Classification: Likely benign. Last evaluated: 2024-11-01. Review status: criteria provided, single submitter. Criteria: ACMG Guidelines, 2015. Collection method: clinical testing. Allele origin: germline.

Department of Pathology and Laboratory Medicine, Sinai Health System
Classification: Uncertain significance for global developmental delay with or without impaired intellectual development. Last evaluated: 2023-10-25. Review status: criteria provided, single submitter. Criteria: ACMG Guidelines, 2015. Collection method: research. Allele origin: germline.

Ambry Genetics
Classification: Uncertain significance for Inborn genetic diseases. Last evaluated: 2022-03-28. Review status: criteria provided, single submitter. Criteria: Ambry Variant Classification Scheme 2023. Collection method: clinical testing. Allele origin: germline.

NM_181552.4(CUX1):c.3284C>T (p.Pro1095Leu)

Gene: CUX1 (cut like homeobox 1; plus strand). Cytogenetic location: 7q22.1.
Variant type: single nucleotide variant.
Coding change: c.3284C>T on transcript NM_181552.4 (MANE Select); coding-DNA position 3284, C replaced by T.
Protein change: p.Pro1095Leu; replaces proline 1095 with leucine.
Molecular consequence: missense variant. On other transcripts: intron variant (5).
Genome position (GRCh38, 1-based): chr7:102,227,520, C>T. VCF-style: chr7-102227520-C-T. GRCh37 (hg19) VCF-style: chr7-101870800-C-T.
Other names: c.3317C>T, p.Pro1106Leu (NM_001202543.2); c.1255+31917C>T (NM_001913.5); c.1249+31917C>T (NM_181500.4); c.1117+31917C>T (NM_001202545.3); c.1207+31917C>T (NM_001202544.3); c.1138+31917C>T (NM_001202546.3); short protein forms P1106L, P1095L.
Identifiers: ClinVar variation 2411639 (VCV002411639.8), dbSNP rs782176246, ClinGen allele CA4411295.
Genomic context (GRCh38, chr7:102,227,520, plus strand): 5'-AGCAGCCCTGTCCCCCCATCGAGGCGAGCAAGGACAGCAAGCCACCAGAGCCCAGTGACC[C>T]GCCAGCATCCGACTCCCAGCCCACAACCCCGCTGCCTCTCTCCGGACACTCGGCCCTCAG-3'
Protein context (NP_853530.2, residues 1085-1105): KDSKPPEPSD[Pro1095Leu]PASDSQPTTP